The following is an entry in ClinVar:

NM_019109.5(ALG1):c.1292C>A (p.Ala431Glu)

Genes: ALG1 (ALG1 chitobiosyldiphosphodolichol beta-mannosyltransferase; plus strand), EEF2KMT (eukaryotic elongation factor 2 lysine methyltransferase; minus strand). Cytogenetic location: 16p13.3.
Variant type: single nucleotide variant.
Coding change: c.1292C>A on transcript NM_019109.5 (MANE Select); coding-DNA position 1292, C replaced by A.
Protein change: p.Ala431Glu; replaces alanine 431 with glutamic acid.
Molecular consequence: missense variant. On other transcripts: 3 prime UTR variant (3).
Genome position (GRCh38, 1-based): chr16:5,084,778, C>A. VCF-style: chr16-5084778-C-A. GRCh37 (hg19) VCF-style: chr16-5134779-C-A.
Other names: c.*854G>T (NM_001289029.2, NM_201400.4, NM_201598.4); c.959C>A, p.Ala320Glu (NM_001330504.2); short protein forms A320E, A431E.
Identifiers: ClinVar variation 1048859 (VCV001048859.6), dbSNP rs370439294, ClinGen allele CA394674852.

ClinVar aggregate classification (germline): Uncertain significance. Review status: criteria provided, single submitter (1 of 4 stars). 4 submissions from 4 submitters: Uncertain significance (1). 3 of the submissions do not count toward it. Last evaluated 2023-03-24.

Conditions:
Inborn genetic diseases. Identifiers: MedGen C0950123, MeSH D030342.

Submissions (4):

Ambry Genetics
Classification: Uncertain significance for Inborn genetic diseases. Last evaluated: 2023-03-24. Review status: criteria provided, single submitter. Criteria: Ambry Variant Classification Scheme 2023. Collection method: clinical testing. Allele origin: germline.

Clinical Genetics DNA and cytogenetics Diagnostics Lab, Erasmus MC, Erasmus Medical Center
Classification: Likely benign. Review status: no assertion criteria provided. Collection method: clinical testing. Allele origin: germline. Affected: yes. Study: VKGL Data-share Consensus. Not counted in ClinVar's aggregate classification.

Department of Pathology and Laboratory Medicine, Sinai Health System
Classification: Uncertain significance. Review status: no assertion criteria provided. Collection method: clinical testing. Allele origin: unknown. Affected: yes. Study: The Canadian Open Genetics Repository (COGR). Not counted in ClinVar's aggregate classification.
Comment: The ALG1 p.Ala431Glu variant was not identified in the literature nor was it identified in ClinVar. The variant was identified in dbSNP (ID: rs370439294), LOVD 3.0 (classified as likely benign) and in control databases in 9 of 31002 chromosomes at a frequency of 0.0002903 (Genome Aggregation Database March 6, 2019, v2.1.1). The variant was observed in the following populations: East Asian in 2 of 1462 chromosomes (freq: 0.001368), African in 6 of 8490 chromosomes (freq: 0.000707) and European (Finnish) in 1 of 3446 chromosomes (freq: 0.00029), but was not observed in the Latino, Ashkenazi Jewish, European (non-Finnish), Other, or South Asian populations. The p.Ala431 residue is not conserved in mammals and four out of five computational analyses (PolyPhen-2, SIFT, AlignGVGD, BLOSUM, MutationTaster) do not suggest a high likelihood of impact to the protein; however, this information is not predictive enough to rule out pathogenicity. The variant occurs outside of the splicing consensus sequence and three of four in silico or computational prediction software programs (SpliceSiteFinder, MaxEntScan, NNSPLICE, GeneSplicer) do not predict a greater than 10% difference in splicing; this is not very predictive of pathogenicity. In summary, based on the above information the clinical significance of this variant cannot be determined with certainty at this time. This variant is classified as a variant of uncertain significance.

Laboratory of Diagnostic Genome Analysis, Leiden University Medical Center (LUMC)
Classification: Likely benign. Review status: no assertion criteria provided. Collection method: clinical testing. Allele origin: germline. Affected: yes. Study: VKGL Data-share Consensus. Not counted in ClinVar's aggregate classification.